The following is an entry in ClinVar:

ClinVar aggregate classification (germline): Uncertain significance (1 of 4 stars; one submission).

Submission:

GeneDx
Classification: Uncertain significance. Last evaluated: 2019-04-17. Review status: criteria provided, single submitter. Criteria: GeneDx Variant Classification Process June 2021. Collection method: clinical testing. Allele origin: germline. Affected: yes.
Comment: Not observed in large population cohorts (Lek et al., 2016); In-frame duplication of three amino acids in a non-repeat region; Has not been previously published as pathogenic or benign to our knowledge

NM_001367624.2(ZNF469):c.10099TGCCCCCGG[3] (p.3367CPR[3])

Genes: ZNF469 (zinc finger protein 469; plus strand), LOC130059719 (ATAC-STARR-seq lymphoblastoid silent region 7848; plus strand). Cytogenetic location: 16q24.2.
Variant type: Microsatellite.
Coding change: c.10099TGCCCCCGG[3] on transcript NM_001367624.2 (MANE Select); three copies in a row of the 9-base unit TGCCCCCGG starting at c.10099; the reference has two copies in a row; one copy, 9 bases duplicated.
Protein change: p.3367CPR[3].
Molecular consequence: inframe insertion.
Genome position (GRCh38, 1-based): chr16:88,437,578-88,437,586, TGCCCCCGG duplicated; duplicating any 9 consecutive bases within chr16:88,437,568-88,437,586 gives the same sequence; the position shown is the placement nearest the transcript's 3' end. VCF-style (leftmost placement, unchanged base first): chr16-88437567-T-TGTGCCCCCG. GRCh37 (hg19) VCF-style: chr16-88503975-T-TGTGCCCCCG.
Other names: NM_001127464.1:c.10024_10032dup.
Identifiers: ClinVar variation 1305215 (VCV001305215.2), dbSNP rs752989976, ClinGen allele CA8225472.